The following is an entry in ClinVar:

NM_004082.5(DCTN1):c.2006G>A (p.Arg669His)

Gene: DCTN1 (dynactin subunit 1; minus strand). Cytogenetic location: 2p13.1.
Variant type: single nucleotide variant.
Coding change: c.2006G>A on transcript NM_004082.5 (MANE Select); coding-DNA position 2006, G replaced by A.
Protein change: p.Arg669His; replaces arginine 669 with histidine.
Molecular consequence: missense variant. On other transcripts: non-coding transcript variant (1).
Genome position (GRCh38, 1-based): chr2:74,367,980, C>T on the plus strand (G>A on the coding strand, the complement: DCTN1 is on the minus strand). VCF-style: chr2-74367980-C-T. GRCh37 (hg19) VCF-style: chr2-74595107-C-T.
Other names: c.1946G>A, p.Arg649His (NM_001135040.3); c.1604G>A, p.Arg535His (NM_001135041.3, NM_023019.4); c.1895G>A, p.Arg632His (NM_001190836.2); c.1985G>A, p.Arg662His (NM_001190837.2); c.1955G>A, p.Arg652His (NM_001378991.1); c.1937G>A, p.Arg646His (NM_001378992.1); short protein forms R535H, R632H, R649H, R662H, R669H, R646H, R652H.
Identifiers: ClinVar variation 644992 (VCV000644992.12), dbSNP rs140523637, ClinGen allele CA1721989.

ClinVar aggregate classification (germline): Uncertain significance. Review status: criteria provided, multiple submitters, no conflicts (2 of 4 stars). 3 submissions from 3 submitters: Uncertain significance (3). Last evaluated 2024-11-30.

Conditions:
Inborn genetic diseases. Identifiers: MedGen C0950123, MeSH D030342.
Amyotrophic lateral sclerosis type 1 (ALS1). Also called: AMYOTROPHIC LATERAL SCLEROSIS 1, FAMILIAL. Identifiers: Orphanet 803, MedGen C1862939, MONDO:0007103, OMIM 105400.
Neuronopathy, distal hereditary motor, type 7B. Also called: Distal Hereditary Motor Neuronopathy Type 7B (dHMN7B); HMN VIIB; LOWER MOTOR NEURON DISEASE, DYNACTIN TYPE; NEURONOPATHY, DISTAL HEREDITARY MOTOR, AUTOSOMAL DOMINANT 14; NEURONOPATHY, DISTAL HEREDITARY MOTOR, HARDING TYPE VIIB; NEUROPATHY, DISTAL HEREDITARY MOTOR, HARDING TYPE VIIB. Identifiers: Orphanet 139589, MedGen C1843315, MONDO:0011879, OMIM 607641.
Perry syndrome. Also called: PARKINSONISM WITH ALVEOLAR HYPOVENTILATION AND MENTAL DEPRESSION. Identifiers: Orphanet 178509, MedGen C1868594, MONDO:0008201, OMIM 168605.

Allele frequency attached by ClinVar (database versions not stated): TOPMed below 0.00001; ExAC 0.00001; gnomAD 0.00002 and 0.00003; gnomAD exomes 0.00002; ESP Exome Variant Server 0.00008.
gnomAD v4.1: 27 of 1,614,100 alleles (0.0017%); highest among the groups gnomAD compares: African/African-American, 0.008%; no homozygotes.

Submissions (3):

Labcorp Genetics (formerly Invitae), Labcorp
Classification: Uncertain significance for Amyotrophic lateral sclerosis type 1; Neuronopathy, distal hereditary motor, type 7B; Perry syndrome. Last evaluated: 2024-11-30. Review status: criteria provided, single submitter. Criteria: Invitae Variant Classification Sherloc (09022015). Collection method: clinical testing. Allele origin: germline.
Comment: This sequence change replaces arginine, which is basic and polar, with histidine, which is basic and polar, at codon 669 of the DCTN1 protein (p.Arg669His). This variant is present in population databases (rs140523637, gnomAD 0.007%). This variant has not been reported in the literature in individuals affected with DCTN1-related conditions. ClinVar contains an entry for this variant (Variation ID: 644992). Invitae Evidence Modeling of protein sequence and biophysical properties (such as structural, functional, and spatial information, amino acid conservation, physicochemical variation, residue mobility, and thermodynamic stability) indicates that this missense variant is not expected to disrupt DCTN1 protein function with a negative predictive value of 95%. In summary, the available evidence is currently insufficient to determine the role of this variant in disease. Therefore, it has been classified as a Variant of Uncertain Significance.

Blueprint Genetics
Classification: Uncertain significance. Last evaluated: 2023-11-13. Review status: criteria provided, single submitter. Criteria: ACMG Guidelines, 2015. Collection method: clinical testing. Allele origin: germline.

Ambry Genetics
Classification: Uncertain significance for Inborn genetic diseases. Last evaluated: 2020-11-20. Review status: criteria provided, single submitter. Criteria: Ambry Variant Classification Scheme 2023. Collection method: clinical testing. Allele origin: germline.
Comment: The p.R669H variant (also known as c.2006G>A), located in coding exon 17 of the DCTN1 gene, results from a G to A substitution at nucleotide position 2006. The arginine at codon 669 is replaced by histidine, an amino acid with highly similar properties. This amino acid position is not well conserved in available vertebrate species. In addition, the in silico prediction for this alteration is inconclusive. Since supporting evidence is limited at this time, the clinical significance of this alteration remains unclear.